The following is an entry in ClinVar:

NM_006648.4(WNK2):c.1796T>A (p.Leu599Gln)

Gene: WNK2 (WNK lysine deficient protein kinase 2; plus strand). Cytogenetic location: 9q22.31.
Variant type: single nucleotide variant.
Coding change: c.1796T>A on transcript NM_006648.4 (MANE Select); coding-DNA position 1796, T replaced by A.
Protein change: p.Leu599Gln; replaces leucine 599 with glutamine.
Molecular consequence: missense variant.
Genome position (GRCh38, 1-based): chr9:93,247,796, T>A. VCF-style: chr9-93247796-T-A. GRCh37 (hg19) VCF-style: chr9-96010078-T-A.
Other names: c.1796T>A, p.Leu599Gln (NM_001282394.3); short protein forms L599Q.
Identifiers: ClinVar variation 4201891 (VCV004201891.1).
Genomic context (GRCh38, chr9:93,247,796, plus strand): 5'-CACAGGCTGGGCAGCCCGGGCCACCAGAGCCCGAGGAGCCGGAGGCCGACCAGCACCTCC[T>A]GCCACCTACGTTGCCGACCAGCGCCACCTCCCTGGCCTGTGAGTGCTCAGGGGTGGGATG-3'
Protein context (NP_006639.3, residues 589-609): PEEPEADQHL[Leu599Gln]PPTLPTSATS

ClinVar aggregate classification (germline): Uncertain significance (1 of 4 stars; one submission).

Submission:

Ambry Genetics
Classification: Uncertain significance. Last evaluated: 2025-09-10. Review status: criteria provided, single submitter. Criteria: Ambry Variant Classification Scheme 2023. Collection method: clinical testing. Allele origin: germline.
Comment: The p.L599Q variant (also known as c.1796T>A), located in coding exon 7 of the WNK2 gene, results from a T to A substitution at nucleotide position 1796. The leucine at codon 599 is replaced by glutamine, an amino acid with dissimilar properties. This amino acid position is conserved. In addition, this alteration is predicted to be tolerated by in silico analysis. Based on the available evidence, the clinical significance of this variant remains unclear.